The following is an entry in ClinVar:

ClinVar aggregate classification (germline): Likely benign (1 of 4 stars; one submission).

Conditions:
Bilateral frontoparietal polymicrogyria. Also called: CEREBELLAR ATAXIA WITH NEURONAL MIGRATION DEFECT; CORTICAL DYSPLASIA, COMPLEX, WITH OTHER BRAIN MALFORMATIONS 14A (BILATERAL FRONTOPARIETAL). Identifiers: Orphanet 101070, MedGen C1847352, MONDO:0011738, OMIM 606854.

Allele frequency attached by ClinVar (database versions not stated): TOPMed 0.00148; gnomAD 0.00157 and 0.00164; 1000 Genomes Project 0.00200; 1000 Genomes Project 30x 0.00219.

Submission:

Illumina Laboratory Services, Illumina
Classification: Likely benign for Bilateral frontoparietal polymicrogyria. Last evaluated: 2018-01-13. Review status: criteria provided, single submitter. Criteria: ICSL Variant Classification Criteria 13 December 2019. Collection method: clinical testing. Allele origin: germline.
Comment: This variant was observed in the ICSL laboratory as part of a predisposition screen in an ostensibly healthy population. It had not been previously curated by ICSL or reported in the Human Gene Mutation Database (HGMD: prior to June 1st, 2018), and was therefore a candidate for classification through an automated scoring system. Utilizing variant allele frequency, disease prevalence and penetrance estimates, and inheritance mode, an automated score was calculated to assess if this variant is too frequent to cause the disease. Based on the score and internal cut-off values, a variant classified as likely benign is not then subjected to further curation. The score for this variant resulted in a classification of likely benign for this disease.

NM_201525.4(ADGRG1):c.*1058C>T

Gene: ADGRG1 (adhesion G protein-coupled receptor G1; plus strand). Cytogenetic location: 16q21.
Variant type: single nucleotide variant.
Coding change: c.*1058C>T on transcript NM_201525.4 (MANE Select); 1058 bases downstream of the stop codon, C replaced by T.
Molecular consequence: 3 prime UTR variant.
Genome position (GRCh38, 1-based): chr16:57,664,640, C>T. VCF-style: chr16-57664640-C-T. GRCh37 (hg19) VCF-style: chr16-57698552-C-T.
Other names: c.*1058C>T (NM_001145770.3, NM_001145771.3, NM_001145772.3 and 25 more transcripts).
Identifiers: ClinVar variation 885057 (VCV000885057.4), dbSNP rs149861292, ClinGen allele CA281584659.
Genomic context (GRCh38, chr16:57,664,640, plus strand): 5'-CTGGCCTAGGGCCTGACACTCTCCTAAGAGGTTCTCTCCAAGCCCCCAAATAGCTCCAGG[C>T]GCCCTCGGCCGCCCATCATGGTTAATTCTGTCCAACAAACACACACGGGTAGATTGCTGG-3'